The following is an entry in ClinVar:

NM_001277115.2(DNAH11):c.5519C>T (p.Thr1840Ile)

Gene: DNAH11 (dynein axonemal heavy chain 11; plus strand). Cytogenetic location: 7p15.3.
Variant type: single nucleotide variant.
Coding change: c.5519C>T on transcript NM_001277115.2 (MANE Select); coding-DNA position 5519, C replaced by T.
Protein change: p.Thr1840Ile; replaces threonine 1840 with isoleucine.
Molecular consequence: missense variant.
Genome position (GRCh38, 1-based): chr7:21,683,842, C>T. VCF-style: chr7-21683842-C-T. GRCh37 (hg19) VCF-style: chr7-21723460-C-T.
Other names: short protein forms T1840I.
Identifiers: ClinVar variation 359636 (VCV000359636.19), dbSNP rs374351807, ClinGen allele CA4180464.
Genomic context (GRCh38, chr7:21,683,842, plus strand): 5'-AGGTTGTCAGTCCCCAAGCTTTTACATGGCTGTCTCAACTTCGTCACCGATGGGAGGATA[C>T]CCAGAAACACTGCTTTGTTAATATTTGTGATGCCCAGTTCCAGTACTTCTATGAATACTT-3'
Protein context (NP_001264044.1, residues 1830-1850): LSQLRHRWED[Thr1840Ile]QKHCFVNICD

ClinVar aggregate classification (germline): Conflicting classifications of pathogenicity. Review status: criteria provided, conflicting classifications (1 of 4 stars). 5 submissions from 5 submitters: Uncertain significance (4); Benign (1). Last evaluated 2026-01-26.

Conditions:
Primary ciliary dyskinesia 7. Also called: CILIARY DYSKINESIA, PRIMARY, 7, WITH OR WITHOUT SITUS INVERSUS. Identifiers: Orphanet 244, MedGen C2678473, MONDO:0012748, OMIM 611884.
Primary ciliary dyskinesia. Also called: Ciliary dyskinesia. Identifiers: Orphanet 244, MedGen C0008780, MONDO:0016575, HP:0012265.

Allele frequency attached by ClinVar (database versions not stated): gnomAD exomes 0.00026 and 0.00052; ExAC 0.00027; TOPMed 0.00034; gnomAD 0.00040 and 0.00043; ESP Exome Variant Server 0.00041.
gnomAD v4.1: 817 of 1,613,164 alleles (0.051%); highest among the groups gnomAD compares: Non-Finnish European, 0.066%; 2 homozygotes.

Submissions (5):

Labcorp Genetics (formerly Invitae), Labcorp
Classification: Benign for Primary ciliary dyskinesia. Last evaluated: 2026-01-26. Review status: criteria provided, single submitter. Criteria: Invitae Variant Classification Sherloc (09022015). Collection method: clinical testing. Allele origin: germline.

Blueprint Genetics
Classification: Uncertain significance. Last evaluated: 2024-11-01. Review status: criteria provided, single submitter. Criteria: ACMG Guidelines, 2015. Collection method: clinical testing. Allele origin: germline.

GeneDx
Classification: Uncertain significance. Last evaluated: 2022-01-07. Review status: criteria provided, single submitter. Criteria: GeneDx Variant Classification Process June 2021. Collection method: clinical testing. Allele origin: germline. Affected: yes.
Comment: In silico analysis supports that this missense variant has a deleterious effect on protein structure/function; Has not been previously published as pathogenic or benign with a DNAH11-related disease to our knowledge; This variant is associated with the following publications: (PMID: 33111339)

Ambry Genetics
Classification: Uncertain significance for Primary ciliary dyskinesia. Last evaluated: 2021-12-23. Review status: criteria provided, single submitter. Criteria: Ambry Variant Classification Scheme 2023. Collection method: clinical testing. Allele origin: germline.
Comment: The p.T1840I variant (also known as c.5519C>T), located in coding exon 32 of the DNAH11 gene, results from a C to T substitution at nucleotide position 5519. The threonine at codon 1840 is replaced by isoleucine, an amino acid with similar properties. This amino acid position is poorly conserved in available vertebrate species. In addition, this alteration is predicted to be tolerated by in silico analysis. Since supporting evidence is limited at this time, the clinical significance of this alteration remains unclear.

Fulgent Genetics
Classification: Uncertain significance for Primary ciliary dyskinesia 7. Last evaluated: 2018-10-31. Review status: criteria provided, single submitter. Criteria: ACMG Guidelines, 2015. Collection method: clinical testing. Allele origin: unknown.